The following is an entry in ClinVar:

NM_006206.6(PDGFRA):c.50-17C>T

Gene: PDGFRA (platelet derived growth factor receptor alpha; plus strand). Cytogenetic location: 4q12.
Variant type: single nucleotide variant.
Coding change: c.50-17C>T on transcript NM_006206.6 (MANE Select); 17 bases into the intron before coding-DNA position 50, C replaced by T.
Molecular consequence: intron variant.
Genome position (GRCh38, 1-based): chr4:54,261,078, C>T. VCF-style: chr4-54261078-C-T. GRCh37 (hg19) VCF-style: chr4-55127245-C-T.
Other names: c.125-17C>T (NM_001347828.2); c.50-17C>T (NM_001347827.2, NM_001347829.2); c.89-17C>T (NM_001347830.2).
Identifiers: ClinVar variation 1587538 (VCV001587538.9), dbSNP rs543962000, ClinGen allele CA2922222.

ClinVar aggregate classification (germline): Likely benign. Review status: criteria provided, multiple submitters, no conflicts (2 of 4 stars). 2 submissions from 2 submitters: Likely benign (2). Last evaluated 2026-06-12.

Conditions:
Polyps, multiple and recurrent inflammatory fibroid, gastrointestinal. Identifiers: MedGen C5193005, MONDO:0008285, OMIM 175510.
Gastrointestinal stromal tumor. Also called: Gastrointestinal stromal tumor, somatic; Gastrointestinal stroma tumor. Identifiers: Orphanet 44890, MedGen C0238198, MeSH D046152, MONDO:0011719, OMIM 606764, HP:0100723.

Allele frequency attached by ClinVar (database versions not stated): ExAC 0.00001; gnomAD 0.00001; gnomAD exomes 0.00001 and 0.00002; TOPMed 0.00001; 1000 Genomes Project 0.00020; 1000 Genomes Project 30x 0.00031.
gnomAD v4.1: 23 of 1,610,818 alleles (0.0014%); highest among the groups gnomAD compares: Admixed American, 0.0067%; no homozygotes.

Submissions (2):

Myriad Genetics, Inc.
Classification: Likely benign for Polyps, multiple and recurrent inflammatory fibroid, gastrointestinal. Last evaluated: 2026-06-12. Review status: criteria provided, single submitter. Criteria: Myriad Autosomal Dominant, Autosomal Recessive and X-Linked Classification Criteria (2023). Collection method: clinical testing. Allele origin: unknown.
Comment: This variant is considered likely benign. This variant is intronic and is not expected to impact mRNA splicing.

Labcorp Genetics (formerly Invitae), Labcorp
Classification: Likely benign for Gastrointestinal stromal tumor. Last evaluated: 2026-01-19. Review status: criteria provided, single submitter. Criteria: Invitae Variant Classification Sherloc (09022015). Collection method: clinical testing. Allele origin: germline.